The following is an entry in ClinVar:

NM_021819.3(LMAN1L):c.1338G>T (p.Lys446Asn)

Gene: LMAN1L (lectin, mannose binding 1 like; plus strand). Cytogenetic location: 15q24.1.
Variant type: single nucleotide variant.
Coding change: c.1338G>T on transcript NM_021819.3 (MANE Select); coding-DNA position 1338, G replaced by T.
Protein change: p.Lys446Asn; replaces lysine 446 with asparagine.
Molecular consequence: missense variant.
Genome position (GRCh38, 1-based): chr15:74,824,365, G>T. VCF-style: chr15-74824365-G-T. GRCh37 (hg19) VCF-style: chr15-75116706-G-T.
Other names: short protein forms K446N.
Identifiers: ClinVar variation 161751 (VCV000161751.2), dbSNP rs193921107, ClinGen allele CA174719.
Genomic context (GRCh38, chr15:74,824,365, plus strand): 5'-TTCTGGGTAAGAAGCTAAGCTAGGACCTTAGACTTTCCCCTTTCAGAAGGCAGCAGCCAA[G>T]GCCCCCCGCCCACCTGGCCAGCCCCCAAGGGCCTCCTCGTGCCTGCAGCCTGGCATCTTC-3'
Protein context (NP_068591.2, residues 436-456): ELRGPAKAAA[Lys446Asn]APRPPGQPPR

ClinVar aggregate classification (germline): Uncertain significance (0 of 4 stars; one submission).

Conditions:
Prostate cancer. Also called: Malignant tumor of prostate. Identifiers: Orphanet 1331, MedGen C0376358, MONDO:0008315, HP:0012125.

Submission:

Science for Life laboratory,  Karolinska Institutet
Classification: Uncertain significance for Malignant tumor of prostate. Review status: no assertion criteria provided. Collection method: not provided. Allele origin: somatic.
Comment: TumorID:SWE-91B
ClinVar note: Converted during submission from Unknown to Uncertain significance.